The following is an entry in ClinVar:

ClinVar aggregate classification (germline): Uncertain significance (1 of 4 stars; one submission).

Conditions:
Familial cancer of breast. Also called: hereditary breast carcinoma; Hereditary breast cancer; BREAST CANCER, FAMILIAL. Identifiers: Orphanet 227535, MedGen C0346153, MONDO:0016419, OMIM 114480. Disease mechanism: loss of function.

Submission:

Labcorp Genetics (formerly Invitae), Labcorp
Classification: Uncertain significance for Familial cancer of breast. Last evaluated: 2025-07-30. Review status: criteria provided, single submitter. Criteria: Invitae Variant Classification Sherloc (09022015). Collection method: clinical testing. Allele origin: germline.
Comment: This sequence change replaces glycine, which is neutral and non-polar, with aspartic acid, which is acidic and polar, at codon 401 of the PALB2 protein (p.Gly401Asp). This variant is not present in population databases (gnomAD no frequency). This variant has not been reported in the literature in individuals affected with PALB2-related conditions. ClinVar contains an entry for this variant (Variation ID: 2744910). Invitae Evidence Modeling of protein sequence and biophysical properties (such as structural, functional, and spatial information, amino acid conservation, physicochemical variation, residue mobility, and thermodynamic stability) indicates that this missense variant is expected to disrupt PALB2 protein function with a positive predictive value of 80%. In summary, the available evidence is currently insufficient to determine the role of this variant in disease. Therefore, it has been classified as a Variant of Uncertain Significance.

NM_024675.4(PALB2):c.1202G>A (p.Gly401Asp)

Gene: PALB2 (partner and localizer of BRCA2; minus strand). Cytogenetic location: 16p12.2.
Variant type: single nucleotide variant.
Coding change: c.1202G>A on transcript NM_024675.4 (MANE Select); coding-DNA position 1202, G replaced by A.
Protein change: p.Gly401Asp; replaces glycine 401 with aspartic acid.
Molecular consequence: missense variant. On other transcripts: intron variant (3).
Genome position (GRCh38, 1-based): chr16:23,635,344, C>T on the plus strand (G>A on the coding strand, the complement: PALB2 is on the minus strand). VCF-style: chr16-23635344-C-T. GRCh37 (hg19) VCF-style: chr16-23646665-C-T.
Other names: c.1142G>A, p.Gly381Asp (NM_001407296.1); c.1202G>A, p.Gly401Asp (NM_001407297.1, NM_001407298.1, NM_001407299.1 and 3 more transcripts); c.317G>A, p.Gly106Asp (NM_001407304.1, NM_001407305.1, NM_001407306.1 and 5 more transcripts); c.48+5766G>A (NM_001407314.1); c.-104-4875G>A (NM_001407313.1, NM_001407312.1); short protein forms G106D, G381D, G401D.
Identifiers: ClinVar variation 2744910 (VCV002744910.3), dbSNP rs1462655583, ClinGen allele CA395133218.
Genomic context (GRCh38, chr16:23,635,344, plus strand): 5'-CTCTGGCAATTGGACATGCTTCGTGTTGTTCTAACATAATATTCTGCAGGAAACAGAAGG[C>T]CTTCAGGCACTGTGCAAGAATGTTTTTCTGCAGAAAGAGGAGAGGTTGCTTCCAGGCTAA-3'
Protein context (NP_078951.2, residues 391-411): AEKHSCTVPE[Gly401Asp]LLFPAEYYVR